The following is an entry in ClinVar:

NM_178857.6(RP1L1):c.199G>A (p.Glu67Lys)

Gene: RP1L1 (RP1 like 1). Cytogenetic location: 8p23.1.
Variant type: single nucleotide variant.
Coding change: c.199G>A on transcript NM_178857.6 (MANE Select); coding-DNA position 199, G replaced by A.
Protein change: p.Glu67Lys; replaces glutamic acid 67 with lysine.
Molecular consequence: missense variant.
Genome position (GRCh38, 1-based): chr8:10,623,003, C>T on the plus strand (G>A on the coding strand, the complement: RP1L1 is on the minus strand). VCF-style: chr8-10623003-C-T. GRCh37 (hg19) VCF-style: chr8-10480513-C-T.
Other names: c.199G>A (NM_178857.5); short protein forms E67K.
Identifiers: ClinVar variation 1351360 (VCV001351360.10), dbSNP rs370718655, ClinGen allele CA4625823.

ClinVar aggregate classification (germline): Uncertain significance. Review status: criteria provided, multiple submitters, no conflicts (2 of 4 stars). 3 submissions from 3 submitters: Uncertain significance (3). Last evaluated 2025-04-20.

Conditions:
Inborn genetic diseases. Identifiers: MedGen C0950123, MeSH D030342.

Allele frequency attached by ClinVar (database versions not stated): gnomAD exomes 0.00002 and 0.00003; TOPMed 0.00002; gnomAD 0.00003; ExAC 0.00006; ESP Exome Variant Server 0.00016.
gnomAD v4.1: 30 of 1,613,988 alleles (0.0019%); highest among the groups gnomAD compares: East Asian, 0.0067%; no homozygotes.

Submissions (3):

Ambry Genetics
Classification: Uncertain significance for Inborn genetic diseases. Last evaluated: 2025-04-20. Review status: criteria provided, single submitter. Criteria: Ambry Variant Classification Scheme 2023. Collection method: clinical testing. Allele origin: germline.

Blueprint Genetics
Classification: Uncertain significance. Last evaluated: 2024-08-02. Review status: criteria provided, single submitter. Criteria: ACMG Guidelines, 2015. Collection method: clinical testing. Allele origin: germline.

Labcorp Genetics (formerly Invitae), Labcorp
Classification: Uncertain significance. Last evaluated: 2024-04-30. Review status: criteria provided, single submitter. Criteria: Invitae Variant Classification Sherloc (09022015). Collection method: clinical testing. Allele origin: germline.
Comment: This sequence change replaces glutamic acid, which is acidic and polar, with lysine, which is basic and polar, at codon 67 of the RP1L1 protein (p.Glu67Lys). This variant is present in population databases (rs370718655, gnomAD 0.01%). This variant has not been reported in the literature in individuals affected with RP1L1-related conditions. ClinVar contains an entry for this variant (Variation ID: 1351360). Advanced modeling of protein sequence and biophysical properties (such as structural, functional, and spatial information, amino acid conservation, physicochemical variation, residue mobility, and thermodynamic stability) has been performed at Invitae for this missense variant, however the output from this modeling did not meet the statistical confidence thresholds required to predict the impact of this variant on RP1L1 protein function. In summary, the available evidence is currently insufficient to determine the role of this variant in disease. Therefore, it has been classified as a Variant of Uncertain Significance.